The following is an entry in ClinVar:

ClinVar aggregate classification (germline): Uncertain significance. Review status: criteria provided, multiple submitters, no conflicts (2 of 4 stars). 3 submissions from 3 submitters: Uncertain significance (3). Last evaluated 2025-03-17.

Allele frequency attached by ClinVar (database versions not stated): TOPMed 0.00001; gnomAD 0.00003.

Submissions (3):

Labcorp Genetics (formerly Invitae), Labcorp
Classification: Uncertain significance. Last evaluated: 2025-03-17. Review status: criteria provided, single submitter. Criteria: Invitae Variant Classification Sherloc (09022015). Collection method: clinical testing. Allele origin: germline.
Comment: This sequence change replaces isoleucine, which is neutral and non-polar, with serine, which is neutral and polar, at codon 276 of the GPR143 protein (p.Ile276Ser). This variant is present in population databases (no rsID available, gnomAD 0.001%). This variant has not been reported in the literature in individuals affected with GPR143-related conditions. ClinVar contains an entry for this variant (Variation ID: 450245). Invitae Evidence Modeling of protein sequence and biophysical properties (such as structural, functional, and spatial information, amino acid conservation, physicochemical variation, residue mobility, and thermodynamic stability) has been performed for this missense variant. However, the output from this modeling did not meet the statistical confidence thresholds required to predict the impact of this variant on GPR143 protein function. In summary, the available evidence is currently insufficient to determine the role of this variant in disease. Therefore, it has been classified as a Variant of Uncertain Significance.

CeGaT Center for Human Genetics Tuebingen
Classification: Uncertain significance. Last evaluated: 2020-10-01. Review status: criteria provided, single submitter. Criteria: CeGaT Center For Human Genetics Tuebingen Variant Classification Criteria Version 2. Collection method: clinical testing. Allele origin: germline. Affected: yes. Observed: 1 variant allele.

GeneDx
Classification: Uncertain significance. Last evaluated: 2017-07-14. Review status: criteria provided, single submitter. Criteria: GeneDx Variant Classification (06012015). Collection method: clinical testing. Allele origin: germline. Affected: yes.
Comment: The I276S variant in the GPR143 gene has not been reported previously as a pathogenic variant, nor as a benign variant, to our knowledge. The I276S variant is not observed in large population cohorts (Lek et al., 2016; 1000 Genomes Consortium et al., 2015; Exome Variant Server). The I276S variant is a non-conservative amino acid substitution, which is likely to impact secondary protein structure as these residues differ in polarity, charge, size and/or other properties. This substitution occurs at a position where amino acids with similar properties to Isoleucine are tolerated across species. In silico analysis is inconsistent in its predictions as to whether or not the variant is damaging to the protein structure/function. We interpret I276S as a variant of uncertain significance.

NM_000273.3(GPR143):c.827T>G (p.Ile276Ser)

Gene: GPR143 (G protein-coupled receptor 143; minus strand). Cytogenetic location: Xp22.2.
Variant type: single nucleotide variant.
Coding change: c.827T>G on transcript NM_000273.3 (MANE Select); coding-DNA position 827, T replaced by G.
Protein change: p.Ile276Ser; replaces isoleucine 276 with serine.
Molecular consequence: missense variant.
Genome position (GRCh38, 1-based): chrX:9,741,396, A>C on the plus strand (T>G on the coding strand, the complement: GPR143 is on the minus strand). VCF-style: chrX-9741396-A-C. GRCh37 (hg19) VCF-style: chrX-9709436-A-C.
Other names: short protein forms I276S.
Identifiers: ClinVar variation 450245 (VCV000450245.44), dbSNP rs1227712924, ClinGen allele CA411995960.